The following is an entry in ClinVar:

ClinVar aggregate classification (germline): Uncertain significance (1 of 4 stars; one submission).

Submission:

GeneDx
Classification: Uncertain significance. Last evaluated: 2024-10-30. Review status: criteria provided, single submitter. Criteria: GeneDx Variant Classification Process June 2021. Collection method: clinical testing. Allele origin: germline. Affected: yes.
Comment: Has not been previously published as pathogenic or benign to our knowledge; Not observed at significant frequency in large population cohorts (gnomAD); In silico analysis supports that this missense variant has a deleterious effect on protein structure/function

NM_201525.4(ADGRG1):c.1561C>T (p.Pro521Ser)

Gene: ADGRG1 (adhesion G protein-coupled receptor G1; plus strand). Cytogenetic location: 16q21.
Variant type: single nucleotide variant.
Coding change: c.1561C>T on transcript NM_201525.4 (MANE Select); coding-DNA position 1561, C replaced by T.
Protein change: p.Pro521Ser; replaces proline 521 with serine.
Molecular consequence: missense variant.
Genome position (GRCh38, 1-based): chr16:57,660,773, C>T. VCF-style: chr16-57660773-C-T. GRCh37 (hg19) VCF-style: chr16-57694685-C-T.
Other names: c.1561C>T, p.Pro521Ser (NM_001145770.3, NM_001145772.3, NM_001145774.3 and 7 more transcripts); c.1579C>T, p.Pro527Ser (NM_001145771.3, NM_001370428.1, NM_001370429.1 and 4 more transcripts); c.1576C>T, p.Pro526Ser (NM_001145773.3, NM_001370433.1, NM_001370434.1); c.1069C>T, p.Pro357Ser (NM_001290142.2); c.1054C>T, p.Pro352Ser (NM_001290143.2); c.1036C>T, p.Pro346Ser (NM_001290144.2, NM_001370451.1, NM_001370453.1 and 1 more transcripts); c.1558C>T, p.Pro520Ser (NM_001370441.1); c.1405C>T, p.Pro469Ser (NM_001370442.1); short protein forms P346S, P352S, P357S, P469S, P520S, P521S, P526S, P527S.
Identifiers: ClinVar variation 1206455 (VCV001206455.4), dbSNP rs2148575316, ClinGen allele CA396051590.